The following is an entry in ClinVar:

ClinVar aggregate classification (germline): Likely pathogenic (1 of 4 stars; one submission).

Conditions:
Achromatopsia 3 (ACHM3). Also called: ACHROMATOPSIA WITH MYOPIA; PINGELAPESE BLINDNESS; TOTAL COLORBLINDNESS WITH MYOPIA; ROD MONOCHROMACY 1; ROD MONOCHROMATISM 1. Identifiers: Orphanet 49382, MedGen C1849792, MONDO:0009875, OMIM 262300.

Submission:

Dasa
Classification: Likely pathogenic for Achromatopsia 3. Last evaluated: 2025-06-16. Review status: criteria provided, single submitter. Criteria: DASA Assertion Criteria. Collection method: clinical testing. Allele origin: germline.
Comment: NM_019098.5(CNGB3):c.1250T>A (p.Leu417*) is a nonsense variant in CNGB3 predicted to introduce a premature termination codon and is predicted to result in an absent or altered protein product. Loss of function is an established disease mechanism for CNGB3-associated disorders. Also, this variant is absent from population databases. Based on the currently available evidence, this variant is classified as likely pathogenic.

NM_019098.5(CNGB3):c.1250T>A (p.Leu417Ter)

Gene: CNGB3 (cyclic nucleotide gated channel subunit beta 3; minus strand). Cytogenetic location: 8q21.3.
Variant type: single nucleotide variant.
Coding change: c.1250T>A on transcript NM_019098.5 (MANE Select); coding-DNA position 1250, T replaced by A.
Protein change: p.Leu417Ter; replaces leucine 417 with a stop codon.
Molecular consequence: nonsense.
Genome position (GRCh38, 1-based): chr8:86,632,822, A>T on the plus strand (T>A on the coding strand, the complement: CNGB3 is on the minus strand). VCF-style: chr8-86632822-A-T. GRCh37 (hg19) VCF-style: chr8-87645050-A-T.
Other names: short protein forms L417*.
Identifiers: ClinVar variation 4881465 (VCV004881465.2).
Genomic context (GRCh38, chr8:86,632,822, plus strand): 5'-AAACTGGAGAACACAAAAACTCCAGAAAAAAAATTCAAGAGTTGAAAAACAATTTCAAAT[A>T]AAGTTTGTGGTTCTGGAAGGCCACCAATGGTAATTAAAGTTCGAACTGCCCAATAATAAC-3'